The following is an entry in ClinVar:

ClinVar aggregate classification (germline): Likely benign. Review status: criteria provided, multiple submitters, no conflicts (2 of 4 stars). 7 submissions from 7 submitters: Likely benign (6). 1 of the submissions does not count toward it. Last evaluated 2024-08-10.

Conditions:
MYH11-related disorder. Also called: MYH11-related condition.
Familial thoracic aortic aneurysm and aortic dissection (TAAD). Also called: Thoracic aortic aneurysms and dissections. Identifiers: Orphanet 91387, MedGen C4707243, MONDO:0019625.
Aortic aneurysm, familial thoracic 4 (AAT4). Also called: AORTIC ANEURYSM/AORTIC DISSECTION AND PATENT DUCTUS ARTERIOSUS. Identifiers: MedGen C1851504, MONDO:0007568, OMIM 132900.

Allele frequency attached by ClinVar (database versions not stated): gnomAD exomes 0.00001; TOPMed 0.00003; gnomAD 0.00004.
gnomAD v4.1: 34 of 1,612,740 alleles (0.0021%); highest among the groups gnomAD compares: Non-Finnish European, 0.0025%; no homozygotes.

Submissions (7):

Labcorp Genetics (formerly Invitae), Labcorp
Classification: Likely benign for Aortic aneurysm, familial thoracic 4. Last evaluated: 2024-08-10. Review status: criteria provided, single submitter. Criteria: Invitae Variant Classification Sherloc (09022015). Collection method: clinical testing. Allele origin: germline.

All of Us Research Program, National Institutes of Health
Classification: Likely benign for Familial thoracic aortic aneurysm and aortic dissection. Last evaluated: 2023-11-30. Review status: criteria provided, single submitter. Criteria: ACMG Guidelines, 2015. Collection method: clinical testing. Allele origin: germline. Inheritance: Autosomal dominant inheritance. Observed: 2 variant alleles, 2 heterozygotes.
Comment: This study involves interpretation of variants in research participants for the purpose of population health screening. Participant phenotype was not available at the time of variant classification. Additional details can be found in publication PMID: 35346344, PMCID: PMC8962531

Blueprint Genetics
Classification: Likely benign. Last evaluated: 2022-01-13. Review status: criteria provided, single submitter. Criteria: ACMG Guidelines, 2015. Collection method: clinical testing. Allele origin: germline.

Ambry Genetics
Classification: Likely benign for Familial thoracic aortic aneurysm and aortic dissection. Last evaluated: 2021-12-08. Review status: criteria provided, single submitter. Criteria: Ambry Variant Classification Scheme 2023. Collection method: clinical testing. Allele origin: germline.

Color Diagnostics, LLC DBA Color Health
Classification: Likely benign for Familial thoracic aortic aneurysm and aortic dissection. Last evaluated: 2021-03-03. Review status: criteria provided, single submitter. Criteria: ACMG Guidelines, 2015. Collection method: clinical testing. Allele origin: germline.

GeneDx
Classification: Likely benign. Last evaluated: 2020-07-28. Review status: criteria provided, single submitter. Criteria: GeneDx Variant Classification Process June 2021. Collection method: clinical testing. Allele origin: germline. Affected: yes.

PreventionGenetics, part of Exact Sciences
Classification: Likely benign for MYH11-related condition. Last evaluated: 2021-04-21. Review status: no assertion criteria provided. Collection method: clinical testing. Allele origin: germline. Not counted in ClinVar's aggregate classification.
Comment: This variant is classified as likely benign based on ACMG/AMP sequence variant interpretation guidelines (Richards et al. 2015 PMID: 25741868, with internal and published modifications).

NM_002474.3(MYH11):c.3282G>A (p.Ala1094=)

Gene: MYH11 (myosin heavy chain 11; minus strand). Cytogenetic location: 16p13.11.
Variant type: single nucleotide variant.
Coding change: c.3282G>A on transcript NM_002474.3 (MANE Select); coding-DNA position 3282, G replaced by A.
Protein change: p.Ala1094=; no amino-acid change (alanine 1094 retained).
Molecular consequence: synonymous variant.
Genome position (GRCh38, 1-based): chr16:15,737,460, C>T on the plus strand (G>A on the coding strand, the complement: MYH11 is on the minus strand). VCF-style: chr16-15737460-C-T. GRCh37 (hg19) VCF-style: chr16-15831317-C-T.
Other names: c.3303G>A, p.Ala1101= (NM_001040113.2, NM_001040114.2); c.3282G>A, p.Ala1094= (NM_022844.3).
Identifiers: ClinVar variation 517771 (VCV000517771.20), dbSNP rs200289373, ClinGen allele CA278623158.